The following is an entry in ClinVar:

ClinVar aggregate classification (germline): Uncertain significance (1 of 4 stars; one submission).

Conditions:
Familial meningioma. Also called: Meningioma, familial, susceptibility to. Identifiers: Orphanet 263662, MedGen C3551915, MONDO:0011789, OMIM 607174.

Submission:

Labcorp Genetics (formerly Invitae), Labcorp
Classification: Uncertain significance for Familial meningioma. Last evaluated: 2017-11-23. Review status: criteria provided, single submitter. Criteria: Invitae Variant Classification Sherloc (09022015). Collection method: clinical testing. Allele origin: germline.
Comment: In summary, the available evidence is currently insufficient to determine the role of this variant in disease. Therefore, it has been classified as a Variant of Uncertain Significance. Algorithms developed to predict the effect of missense changes on protein structure and function (SIFT, PolyPhen-2, Align-GVGD) all suggest that this variant is likely to be tolerated, but these predictions have not been confirmed by published functional studies and their clinical significance is uncertain. This variant has not been reported in the literature in individuals with SMARCE1-related disease. This variant is not present in population databases (ExAC no frequency). This sequence change replaces glutamine with leucine at codon 324 of the SMARCE1 protein (p.Gln324Leu). The glutamine residue is moderately conserved and there is a moderate physicochemical difference between glutamine and leucine.

NM_003079.5(SMARCE1):c.971A>T (p.Gln324Leu)

Gene: SMARCE1 (SWI/SNF related BAF chromatin remodeling complex subunit E1; minus strand). Cytogenetic location: 17q21.2.
Variant type: single nucleotide variant.
Coding change: c.971A>T on transcript NM_003079.5 (MANE Select); coding-DNA position 971, A replaced by T.
Protein change: p.Gln324Leu; replaces glutamine 324 with leucine.
Molecular consequence: missense variant.
Genome position (GRCh38, 1-based): chr17:40,630,770, T>A on the plus strand (A>T on the coding strand, the complement: SMARCE1 is on the minus strand). VCF-style: chr17-40630770-T-A. GRCh37 (hg19) VCF-style: chr17-38787022-T-A.
Other names: short protein forms Q324L.
Identifiers: ClinVar variation 532244 (VCV000532244.8), dbSNP rs1555605231, ClinGen allele CA399363361.